The following is an entry in ClinVar:

ClinVar aggregate classification (germline): Uncertain significance (1 of 4 stars; one submission).

Submission:

GeneDx
Classification: Uncertain significance. Last evaluated: 2022-01-17. Review status: criteria provided, single submitter. Criteria: GeneDx Variant Classification Process June 2021. Collection method: clinical testing. Allele origin: germline. Affected: yes.
Comment: Not observed at significant frequency in large population cohorts (gnomAD); In silico analysis supports that this missense variant has a deleterious effect on protein structure/function; Has not been previously published as pathogenic or benign to our knowledge

NM_020795.4(NLGN2):c.1484G>T (p.Trp495Leu)

Gene: NLGN2 (neuroligin 2; plus strand). Cytogenetic location: 17p13.1.
Variant type: single nucleotide variant.
Coding change: c.1484G>T on transcript NM_020795.4 (MANE Select); coding-DNA position 1484, G replaced by T.
Protein change: p.Trp495Leu; replaces tryptophan 495 with leucine.
Molecular consequence: missense variant.
Genome position (GRCh38, 1-based): chr17:7,415,957, G>T. VCF-style: chr17-7415957-G-T. GRCh37 (hg19) VCF-style: chr17-7319276-G-T.
Other names: short protein forms W495L.
Identifiers: ClinVar variation 1697049 (VCV001697049.2), dbSNP rs2150817197, ClinGen allele CA397826643.